The following is an entry in ClinVar:

NM_002075.4(GNB3):c.392G>A (p.Gly131Asp)

Gene: GNB3 (G protein subunit beta 3; plus strand). Cytogenetic location: 12p13.31.
Variant type: single nucleotide variant.
Coding change: c.392G>A on transcript NM_002075.4 (MANE Select); coding-DNA position 392, G replaced by A.
Protein change: p.Gly131Asp; replaces glycine 131 with aspartic acid.
Molecular consequence: missense variant.
Genome position (GRCh38, 1-based): chr12:6,843,487, G>A. VCF-style: chr12-6843487-G-A. GRCh37 (hg19) VCF-style: chr12-6952651-G-A.
Other names: c.392G>A, p.Gly131Asp (NM_001297571.2); short protein forms G131D.
Identifiers: ClinVar variation 2695316 (VCV002695316.3), dbSNP rs1943615283, ClinGen allele CA383672601.

ClinVar aggregate classification (germline): Uncertain significance (1 of 4 stars; one submission).

Submission:

Labcorp Genetics (formerly Invitae), Labcorp
Classification: Uncertain significance. Last evaluated: 2023-05-23. Review status: criteria provided, single submitter. Criteria: Invitae Variant Classification Sherloc (09022015). Collection method: clinical testing. Allele origin: germline.
Comment: This sequence change replaces glycine, which is neutral and non-polar, with aspartic acid, which is acidic and polar, at codon 131 of the GNB3 protein (p.Gly131Asp). This variant is not present in population databases (gnomAD no frequency). This variant has not been reported in the literature in individuals affected with GNB3-related conditions. Advanced modeling of protein sequence and biophysical properties (such as structural, functional, and spatial information, amino acid conservation, physicochemical variation, residue mobility, and thermodynamic stability) performed at Invitae indicates that this missense variant is not expected to disrupt GNB3 protein function. In summary, the available evidence is currently insufficient to determine the role of this variant in disease. Therefore, it has been classified as a Variant of Uncertain Significance.